The following is an entry in ClinVar:

ClinVar aggregate classification (germline): Pathogenic/Likely pathogenic. Review status: criteria provided, multiple submitters, no conflicts (2 of 4 stars). 4 submissions from 4 submitters: Pathogenic (2); Likely pathogenic (1). 1 of the submissions does not count toward it. Last evaluated 2024-01-07.

Conditions:
Hereditary spastic paraplegia. Also called: Familial spastic paraparesis. Identifiers: Orphanet 685, MedGen C0037773, MONDO:0019064. Disease mechanism: loss of function.
Neurodegeneration with brain iron accumulation 4 (NBIA4). Also called: MITOCHONDRIAL PROTEIN-ASSOCIATED NEURODEGENERATION. Identifiers: Orphanet 289560, MedGen C3280371, MONDO:0013674, OMIM 614298. Disease mechanism: loss of function.
Hereditary spastic paraplegia 43. Also called: Spastic paraplegia 43, autosomal recessive. Identifiers: Orphanet 320370, MedGen C2680446, MONDO:0014024, OMIM 615043.

Submissions (4):

Labcorp Genetics (formerly Invitae), Labcorp
Classification: Pathogenic for Hereditary spastic paraplegia 43. Last evaluated: 2024-01-07. Review status: criteria provided, single submitter. Criteria: Invitae Variant Classification Sherloc (09022015). Collection method: clinical testing. Allele origin: germline.
Comment: This sequence change creates a premature translational stop signal (p.Ala67Leufs*6) in the C19orf12 gene. While this is not anticipated to result in nonsense mediated decay, it is expected to disrupt the last 86 amino acid(s) of the C19orf12 protein. This variant is present in population databases (no rsID available, gnomAD 0.01%). This premature translational stop signal has been observed in individuals with clinical features of autosomal recessive neurodegeneration with brain iron accumulation (PMID: 23269600, 31105013). It has also been observed to segregate with disease in related individuals. This variant is also known as c.194delG. ClinVar contains an entry for this variant (Variation ID: 1344261). For these reasons, this variant has been classified as Pathogenic.

GeneDx
Classification: Likely pathogenic. Last evaluated: 2023-05-13. Review status: criteria provided, single submitter. Criteria: GeneDx Variant Classification Process June 2021. Collection method: clinical testing. Allele origin: germline. Affected: yes.
Comment: Frameshift variant predicted to result in protein truncation, as the last 86 amino acids are replaced with 5 different amino acids, and other loss-of-function variants have been reported downstream in HGMD; Not observed at significant frequency in large population cohorts (gnomAD); Also known as c.194delG; This variant is associated with the following publications: (PMID: 23269600, 31087512, 31105013, 31804703, 25962551)

Genome Diagnostics Laboratory, The Hospital for Sick Children
Classification: Pathogenic for Hereditary spastic paraplegia. Last evaluated: 2017-11-01. Review status: criteria provided, single submitter. Criteria: ACMG Guidelines, 2015. Collection method: clinical testing. Allele origin: germline. Affected: yes.

Solve-RD Consortium
Classification: Likely pathogenic for Neurodegeneration with brain iron accumulation 4. Last evaluated: 2022-06-01. Review status: no assertion criteria provided. Collection method: provider interpretation. Allele origin: inherited. Affected: yes. Not counted in ClinVar's aggregate classification.
Comment: Variant confirmed as disease-causing by referring clinical team

Variant identified during reanalysis of unsolved cases by the Solve-RD project. The Solve-RD project has received funding from the European Union’s Horizon 2020 research and innovation programme under grant agreement No 779257.

Literature cited by the submitters: PubMed 23269600 (cited by Labcorp Genetics (formerly Invitae), Labcorp); PubMed 31105013 (cited by Labcorp Genetics (formerly Invitae), Labcorp); PubMed 39825153 (cited by Solve-RD Consortium).

NM_031448.6(C19orf12):c.166del

Gene: C19orf12 (chromosome 19 open reading frame 12; minus strand). Cytogenetic location: 19q12.
Variant type: Deletion.
Coding change: c.166del on transcript NM_031448.6 (MANE Select); coding-DNA position 166, one base deleted (G; older notation c.166delG).
Molecular consequence: splice acceptor variant.
Genome position (GRCh38, 1-based): chr19:29,702,972, C deleted on the plus strand (G on the coding strand, the reverse complement: C19orf12 is on the minus strand); the first of 7 consecutive C bases (chr19:29,702,972-29,702,978); deleting any one gives the same sequence. VCF-style (leftmost placement, unchanged base first): chr19-29702971-GC-G. GRCh37 (hg19) VCF-style: chr19-30193878-GC-G.
Other names: c.199delG (NM_001031726.3).
Identifiers: ClinVar variation 1344261 (VCV001344261.13), dbSNP rs398122409, ClinGen allele CA506638193.